The following is an entry in ClinVar:

ClinVar aggregate classification (germline): Benign. Review status: criteria provided, multiple submitters, no conflicts (2 of 4 stars). 15 submissions from 12 submitters: Benign (11). 4 of the submissions do not count toward it. Last evaluated 2026-02-03.

Conditions:
Arthrogryposis multiplex congenita 3, myogenic type. Also called: ARTHROGRYPOSIS MULTIPLEX CONGENITA, MYOGENIC TYPE. Identifiers: MedGen C5193121, MONDO:0032778, OMIM 618484.
Emery-Dreifuss muscular dystrophy 4, autosomal dominant (EDMD4). Also called: EMERY-DREIFUSS MUSCULAR DYSTROPHY 4 WITH VARIABLE FEATURES. Identifiers: Orphanet 261, MedGen C2751807, MONDO:0013071, OMIM 612998.
Autosomal recessive ataxia, Beauce type. Also called: SYNE1 Deficiency; Spinocerebellar ataxia, autosomal recessive 8; ATAXIA, RECESSIVE, OF BEAUCE; SYNE1-Related Autosomal Recessive Cerebellar Ataxia. Identifiers: Orphanet 88644, MedGen C1853116, MONDO:0012549, OMIM 610743.

Allele frequency attached by ClinVar (database versions not stated): ESP Exome Variant Server 0.24550; TOPMed 0.25670; gnomAD 0.26223 and 0.26985; 1000 Genomes Project 30x 0.28904; 1000 Genomes Project 0.30431; gnomAD exomes 0.32289 and 0.33166; ExAC 0.32363.
gnomAD v4.1: 513,236 of 1,613,560 alleles (32%); highest among the groups gnomAD compares: East Asian, 58%; 85,973 homozygotes.

Submissions (15):

Labcorp Genetics (formerly Invitae), Labcorp
Classification: Benign for Emery-Dreifuss muscular dystrophy 4, autosomal dominant; Autosomal recessive ataxia, Beauce type. Last evaluated: 2026-02-03. Review status: criteria provided, single submitter. Criteria: Invitae Variant Classification Sherloc (09022015). Collection method: clinical testing. Allele origin: germline.

Blueprint Genetics
Classification: Benign. Last evaluated: 2024-11-27. Review status: criteria provided, single submitter. Criteria: ACMG Guidelines, 2015. Collection method: clinical testing. Allele origin: germline.

Genome-Nilou Lab
Classification: Benign for Arthrogryposis multiplex congenita 3, myogenic type. Last evaluated: 2021-07-15. Review status: criteria provided, single submitter. Criteria: ACMG Guidelines, 2015. Collection method: clinical testing. Allele origin: germline. Affected: no.

Genome-Nilou Lab
Classification: Benign for Emery-Dreifuss muscular dystrophy 4, autosomal dominant. Last evaluated: 2021-07-15. Review status: criteria provided, single submitter. Criteria: ACMG Guidelines, 2015. Collection method: clinical testing. Allele origin: germline. Affected: no.

Genome-Nilou Lab
Classification: Benign for Autosomal recessive ataxia, Beauce type. Last evaluated: 2021-07-15. Review status: criteria provided, single submitter. Criteria: ACMG Guidelines, 2015. Collection method: clinical testing. Allele origin: germline. Affected: no.

Athena Diagnostics
Classification: Benign. Last evaluated: 2018-11-02. Review status: criteria provided, single submitter. Criteria: Athena Diagnostics Criteria. Collection method: clinical testing. Allele origin: germline.

Illumina Laboratory Services, Illumina
Classification: Benign for Autosomal recessive ataxia, Beauce type. Last evaluated: 2018-01-13. Review status: criteria provided, single submitter. Criteria: ICSL Variant Classification Criteria 13 December 2019. Collection method: clinical testing. Allele origin: germline.
Comment: This variant was observed in the ICSL laboratory as part of a predisposition screen in an ostensibly healthy population. It had not been previously curated by ICSL or reported in the Human Gene Mutation Database (HGMD: prior to June 1st, 2018), and was therefore a candidate for classification through an automated scoring system. Utilizing variant allele frequency, disease prevalence and penetrance estimates, and inheritance mode, an automated score was calculated to assess if this variant is too frequent to cause the disease. Based on the score and internal cut-off values, a variant classified as benign is not then subjected to further curation. The score for this variant resulted in a classification of benign for this disease.

Illumina Laboratory Services, Illumina
Classification: Benign for Emery-Dreifuss muscular dystrophy 4, autosomal dominant. Last evaluated: 2018-01-13. Review status: criteria provided, single submitter. Criteria: ICSL Variant Classification Criteria 13 December 2019. Collection method: clinical testing. Allele origin: germline.
Comment: the same text as in the submission from Illumina Laboratory Services, Illumina above.

Mayo Clinic Laboratories, Mayo Clinic
Classification: Benign. Last evaluated: 2017-12-04. Review status: criteria provided, single submitter. Criteria: ACMG Guidelines, 2015. Collection method: clinical testing. Allele origin: germline. Observed: 619 variant alleles.

GeneDx
Classification: Benign. Last evaluated: 2016-01-05. Review status: criteria provided, single submitter. Criteria: GeneDx Variant Classification (06012015). Collection method: clinical testing. Allele origin: germline. Affected: yes.
Comment: This variant is considered likely benign or benign based on one or more of the following criteria: it is a conservative change, it occurs at a poorly conserved position in the protein, it is predicted to be benign by multiple in silico algorithms, and/or has population frequency not consistent with disease.

PreventionGenetics, part of Exact Sciences
Classification: Benign. Review status: criteria provided, single submitter. Criteria: ACMG Guidelines, 2015. Collection method: clinical testing. Allele origin: germline.

Clinical Genetics DNA and cytogenetics Diagnostics Lab, Erasmus MC, Erasmus Medical Center
Classification: Benign. Review status: no assertion criteria provided. Collection method: clinical testing. Allele origin: germline. Affected: yes. Study: VKGL Data-share Consensus. Not counted in ClinVar's aggregate classification.

Clinical Genetics, Academic Medical Center
Classification: Benign. Review status: no assertion criteria provided. Collection method: clinical testing. Allele origin: germline. Affected: yes. Study: VKGL Data-share Consensus. Not counted in ClinVar's aggregate classification.

Genetic Services Laboratory, University of Chicago
Classification: Likely benign for AllHighlyPenetrant. Review status: no assertion criteria provided. Collection method: clinical testing. Allele origin: germline. Inheritance: Autosomal dominant inheritance. Not counted in ClinVar's aggregate classification.
Comment: Likely benign based on allele frequency in 1000 Genomes Project or ESP global frequency and its presence in a patient with a rare or unrelated disease phenotype. NOT Sanger confirmed.

Joint Genome Diagnostic Labs from Nijmegen and Maastricht, Radboudumc and MUMC+
Classification: Benign. Review status: no assertion criteria provided. Collection method: clinical testing. Allele origin: germline. Affected: yes. Study: VKGL Data-share Consensus. Not counted in ClinVar's aggregate classification.

NM_182961.4(SYNE1):c.17346+7G>A

Gene: SYNE1 (spectrin repeat containing nuclear envelope protein 1; minus strand). Cytogenetic location: 6q25.2.
Variant type: single nucleotide variant.
Coding change: c.17346+7G>A on transcript NM_182961.4 (MANE Select); 7 bases into the intron after coding-DNA position 17346, G replaced by A.
Molecular consequence: intron variant.
Genome position (GRCh38, 1-based): chr6:152,308,482, C>T on the plus strand (G>A on the coding strand, the complement: SYNE1 is on the minus strand). VCF-style: chr6-152308482-C-T. GRCh37 (hg19) VCF-style: chr6-152629617-C-T.
Other names: p.?; c.17133+7G>A (NM_033071.5).
Identifiers: ClinVar variation 130412 (VCV000130412.28), dbSNP rs9383985, ClinGen allele CA155385.